The following is an entry in ClinVar:

NM_002074.5(GNB1):c.23G>A (p.Arg8Gln)

Gene: GNB1 (G protein subunit beta 1; minus strand). Cytogenetic location: 1p36.33.
Variant type: single nucleotide variant.
Coding change: c.23G>A on transcript NM_002074.5 (MANE Select); coding-DNA position 23, G replaced by A.
Protein change: p.Arg8Gln; replaces arginine 8 with glutamine.
Molecular consequence: missense variant. On other transcripts: 5 prime UTR variant (1).
Genome position (GRCh38, 1-based): chr1:1,825,431, C>T on the plus strand (G>A on the coding strand, the complement: GNB1 is on the minus strand). VCF-style: chr1-1825431-C-T. GRCh37 (hg19) VCF-style: chr1-1756870-C-T.
Other names: c.-132G>A (NM_001282538.2); c.23G>A, p.Arg8Gln (NM_001282539.2); short protein forms R8Q.
Identifiers: ClinVar variation 3336890 (VCV003336890.3).

ClinVar aggregate classification (germline): Uncertain significance. Review status: criteria provided, multiple submitters, no conflicts (2 of 4 stars). 2 submissions from 2 submitters: Uncertain significance (2). Last evaluated 2024-07-30.

gnomAD v4.1: 2 of 1,612,902 alleles (0.00012%); highest among the groups gnomAD compares: Non-Finnish European, 0.00017%; no homozygotes.

Submissions (2):

Labcorp Genetics (formerly Invitae), Labcorp
Classification: Uncertain significance. Last evaluated: 2024-07-30. Review status: criteria provided, single submitter. Criteria: Invitae Variant Classification Sherloc (09022015). Collection method: clinical testing. Allele origin: germline.
Comment: This sequence change replaces arginine, which is basic and polar, with glutamine, which is neutral and polar, at codon 8 of the GNB1 protein (p.Arg8Gln). This variant is not present in population databases (gnomAD no frequency). This variant has not been reported in the literature in individuals affected with GNB1-related conditions. Advanced modeling of protein sequence and biophysical properties (such as structural, functional, and spatial information, amino acid conservation, physicochemical variation, residue mobility, and thermodynamic stability) performed at Invitae indicates that this missense variant is not expected to disrupt GNB1 protein function with a negative predictive value of 80%. In summary, the available evidence is currently insufficient to determine the role of this variant in disease. Therefore, it has been classified as a Variant of Uncertain Significance.

Clinical Genetics Laboratory, Skane University Hospital Lund
Classification: Uncertain significance. Last evaluated: 2022-05-27. Review status: criteria provided, single submitter. Criteria: ACMG Guidelines, 2015. Collection method: clinical testing. Allele origin: germline. Affected: yes.